The following is an entry in ClinVar:

ClinVar aggregate classification (germline): Uncertain significance (1 of 4 stars; one submission).

Conditions:
Charcot-Marie-Tooth disease type 4. Also called: Charcot-Marie-Tooth disease, type IV; Charcot-Marie-Tooth, Type 4. Identifiers: Orphanet 64749, MedGen C4082197, MONDO:0018995.

Submission:

Labcorp Genetics (formerly Invitae), Labcorp
Classification: Uncertain significance for Charcot-Marie-Tooth disease type 4. Last evaluated: 2022-05-04. Review status: criteria provided, single submitter. Criteria: Invitae Variant Classification Sherloc (09022015). Collection method: clinical testing. Allele origin: germline.
Comment: This sequence change replaces asparagine, which is neutral and polar, with threonine, which is neutral and polar, at codon 793 of the FIG4 protein (p.Asn793Thr). In summary, the available evidence is currently insufficient to determine the role of this variant in disease. Therefore, it has been classified as a Variant of Uncertain Significance. Algorithms developed to predict the effect of missense changes on protein structure and function (SIFT, PolyPhen-2, Align-GVGD) all suggest that this variant is likely to be tolerated. This variant has not been reported in the literature in individuals affected with FIG4-related conditions. This variant is not present in population databases (gnomAD no frequency).

NM_014845.6(FIG4):c.2378A>C (p.Asn793Thr)

Gene: FIG4 (FIG4 phosphoinositide 5-phosphatase; plus strand). Cytogenetic location: 6q21.
Variant type: single nucleotide variant.
Coding change: c.2378A>C on transcript NM_014845.6 (MANE Select); coding-DNA position 2378, A replaced by C.
Protein change: p.Asn793Thr; replaces asparagine 793 with threonine.
Molecular consequence: missense variant.
Genome position (GRCh38, 1-based): chr6:109,792,583, A>C. VCF-style: chr6-109792583-A-C. GRCh37 (hg19) VCF-style: chr6-110113786-A-C.
Other names: short protein forms N793T.
Identifiers: ClinVar variation 2133591 (VCV002133591.4), dbSNP rs2486234027, ClinGen allele CA365217063.